The following is an entry in ClinVar:

NM_006258.4(PRKG1):c.1026G>A (p.Gly342=)

Gene: PRKG1 (protein kinase cGMP-dependent 1; plus strand). Cytogenetic location: 10q21.1.
Variant type: single nucleotide variant.
Coding change: c.1026G>A on transcript NM_006258.4 (MANE Select); coding-DNA position 1026, G replaced by A.
Protein change: p.Gly342=; no amino-acid change (glycine 342 retained).
Molecular consequence: synonymous variant.
Genome position (GRCh38, 1-based): chr10:52,161,913, G>A. VCF-style: chr10-52161913-G-A. GRCh37 (hg19) VCF-style: chr10-53921673-G-A.
Other names: p.Gly342=; c.981G>A, p.Gly327= (LRG_1135t2, NM_001098512.3); c.1026G>A, p.Gly342= (LRG_1135t1).
Identifiers: ClinVar variation 390211 (VCV000390211.18), dbSNP rs374834674, ClinGen allele CA5503734.

ClinVar aggregate classification (germline): Benign/Likely benign. Review status: criteria provided, multiple submitters, no conflicts (2 of 4 stars). 6 submissions from 6 submitters: Benign (2); Likely benign (4). Last evaluated 2026-01-19.

Conditions:
Aortic aneurysm, familial thoracic 8 (AAT8). Identifiers: MedGen C3809513, MONDO:0014187, OMIM 615436.
Familial thoracic aortic aneurysm and aortic dissection (TAAD). Also called: Thoracic aortic aneurysms and dissections. Identifiers: Orphanet 91387, MedGen C4707243, MONDO:0019625.

Allele frequency attached by ClinVar (database versions not stated): ESP Exome Variant Server 0.00008; TOPMed 0.00009; gnomAD 0.00011; ExAC 0.00013; gnomAD exomes 0.00014 and 0.00015.
gnomAD v4.1: 224 of 1,612,528 alleles (0.014%); highest among the groups gnomAD compares: Admixed American, 0.043%; no homozygotes.

Submissions (6):

Labcorp Genetics (formerly Invitae), Labcorp
Classification: Benign for Aortic aneurysm, familial thoracic 8. Last evaluated: 2026-01-19. Review status: criteria provided, single submitter. Criteria: Invitae Variant Classification Sherloc (09022015). Collection method: clinical testing. Allele origin: germline.

Mayo Clinic Laboratories, Mayo Clinic
Classification: Likely benign. Last evaluated: 2025-06-05. Review status: criteria provided, single submitter. Criteria: ACMG Guidelines, 2015. Collection method: clinical testing. Allele origin: germline. Observed: 1 variant allele.
Comment: BS1, BP4, BP7

Blueprint Genetics
Classification: Likely benign. Last evaluated: 2024-11-12. Review status: criteria provided, single submitter. Criteria: ACMG Guidelines, 2015. Collection method: clinical testing. Allele origin: germline.

Women's Health and Genetics/Laboratory Corporation of America, LabCorp
Classification: Benign. Last evaluated: 2023-08-11. Review status: criteria provided, single submitter. Criteria: LabCorp Variant Classification Summary - May 2015. Collection method: clinical testing. Allele origin: germline.

GeneDx
Classification: Likely benign. Last evaluated: 2021-01-11. Review status: criteria provided, single submitter. Criteria: GeneDx Variant Classification Process June 2021. Collection method: clinical testing. Allele origin: germline. Affected: yes.

Ambry Genetics
Classification: Likely benign for Familial thoracic aortic aneurysm and aortic dissection. Last evaluated: 2020-08-24. Review status: criteria provided, single submitter. Criteria: Ambry Variant Classification Scheme 2023. Collection method: clinical testing. Allele origin: germline.